The following is an entry in ClinVar:

NM_001039141.3(TRIOBP):c.6656_6663del (p.Leu2219fs)

Gene: TRIOBP (TRIO and F-actin binding protein; plus strand). Cytogenetic location: 22q13.1.
Variant type: Deletion.
Coding change: c.6656_6663del on transcript NM_001039141.3 (MANE Select); coding-DNA positions 6656 to 6663, 8 bases deleted (TCATGCGG; older notation c.6656_6663delTCATGCGG).
Protein change: p.Leu2219fs; shifts the reading frame from leucine 2219.
Molecular consequence: frameshift variant.
Genome position (GRCh38, 1-based): chr22:37,769,108-37,769,115, TCATGCGG deleted. VCF-style (leftmost placement, unchanged base first): chr22-37769107-CTCATGCGG-C. GRCh37 (hg19) VCF-style: chr22-38165114-CTCATGCGG-C.
Other names: c.1517_1524del, p.Leu506fs (NM_007032.5); short protein forms L2219fs, L506fs.
Identifiers: ClinVar variation 4880784 (VCV004880784.2).

ClinVar aggregate classification (germline): Likely pathogenic (1 of 4 stars; one submission).

Submission:

Dasa
Classification: Likely pathogenic. Last evaluated: 2025-08-13. Review status: criteria provided, single submitter. Criteria: DASA Assertion Criteria. Collection method: clinical testing. Allele origin: germline.
Comment: NM_001039141.3(TRIOBP):c.6656_6663del (p.Leu2219Profs*3) is a frameshift variant in TRIOBP predicted to alter the reading frame and introduce a premature termination codon and is predicted to result in an absent or altered protein product. Loss of function is an established disease mechanism for TRIOBP-associated disorders. Also, this variant is absent from population databases. Based on the currently available evidence, this variant is classified as likely pathogenic.